The following is an entry in ClinVar:

ClinVar aggregate classification (germline): Likely pathogenic (1 of 4 stars; one submission).

Submission:

GeneDx
Classification: Likely pathogenic. Last evaluated: 2018-05-02. Review status: criteria provided, single submitter. Criteria: GeneDx Variant Classification (06012015). Collection method: clinical testing. Allele origin: germline. Affected: yes.
Comment: The c.435delG variant in the NPRL3 gene has not been reported previously as a pathogenic variant nor as a benign variant, to our knowledge. The c.435delG variant causes a frameshift starting with codon Serine 146, changes this amino acid to a Proline residue, and creates a premature Stop codon at position 24 of the new reading frame, denoted p.Ser146ProfsX24. This variant is predicted to cause loss of normal protein function either through protein truncation or nonsense-mediated mRNA decay. The c.435delG variant is not observed in large population cohorts (Lek et al., 2016). We interpret c.435delG as a likely pathogenic variant.

NM_001077350.3(NPRL3):c.435del (p.Ser146fs)

Genes: HBA-LCR (alpha-globin locus control region; plus strand), NPRL3 (NPR3 like, GATOR1 complex subunit; minus strand). Cytogenetic location: 16p13.3.
Variant type: Deletion.
Coding change: c.435del on transcript NM_001077350.3 (MANE Select); coding-DNA position 435, one base deleted (G; older notation c.435delG).
Protein change: p.Ser146fs; shifts the reading frame from serine 146.
Molecular consequence: frameshift variant. On other transcripts: 5 prime UTR variant (1).
Genome position (GRCh38, 1-based): chr16:112,734, C deleted on the plus strand (G on the coding strand, the reverse complement: NPRL3 is on the minus strand). VCF-style (leftmost placement, unchanged base first): chr16-112733-AC-A. GRCh37 (hg19) VCF-style: chr16-162732-AC-A.
Other names: c.-103del (NM_001039476.3); c.201del, p.Ser68fs (NM_001243247.2); c.360del, p.Ser121fs (NM_001243248.2, NM_001243249.2); short protein forms S121fs, S146fs, S68fs.
Identifiers: ClinVar variation 524151 (VCV000524151.2), dbSNP rs1555443191, ClinGen allele CA658798453.